The following is an entry in ClinVar:

ClinVar aggregate classification (germline): Uncertain significance (1 of 4 stars; one submission).

Conditions:
Mitochondrial hypertrophic cardiomyopathy with lactic acidosis due to MTO1 deficiency. Also called: CARDIOMYOPATHY, INFANTILE HYPERTROPHIC MITOCHONDRIAL, AND LACTIC ACIDOSIS; Combined oxidative phosphorylation deficiency 10. Identifiers: Orphanet 314637, MedGen C4749921, MONDO:0013865, OMIM 614702.

Allele frequency attached by ClinVar (database versions not stated): gnomAD exomes below 0.00001 and 0.00001; ExAC 0.00001; gnomAD 0.00001.
gnomAD v4.1: 16 of 1,613,950 alleles (0.00099%); highest among the groups gnomAD compares: African/African-American, 0.0027%; no homozygotes.

Submission:

Labcorp Genetics (formerly Invitae), Labcorp
Classification: Uncertain significance for Mitochondrial hypertrophic cardiomyopathy with lactic acidosis due to MTO1 deficiency. Last evaluated: 2022-07-15. Review status: criteria provided, single submitter. Criteria: Invitae Variant Classification Sherloc (09022015). Collection method: clinical testing. Allele origin: germline.
Comment: This sequence change replaces asparagine, which is neutral and polar, with serine, which is neutral and polar, at codon 409 of the MTO1 protein (p.Asn409Ser). This variant is present in population databases (rs767029283, gnomAD 0.004%). This variant has not been reported in the literature in individuals affected with MTO1-related conditions. ClinVar contains an entry for this variant (Variation ID: 1406239). Algorithms developed to predict the effect of missense changes on protein structure and function are either unavailable or do not agree on the potential impact of this missense change (SIFT: "Deleterious"; PolyPhen-2: "Possibly Damaging"; Align-GVGD: "Class C0"). In summary, the available evidence is currently insufficient to determine the role of this variant in disease. Therefore, it has been classified as a Variant of Uncertain Significance.

NM_012123.4(MTO1):c.1226A>G (p.Asn409Ser)

Gene: MTO1 (mitochondrial tRNA translation optimization 1; plus strand). Cytogenetic location: 6q13.
Variant type: single nucleotide variant.
Coding change: c.1226A>G on transcript NM_012123.4 (MANE Select); coding-DNA position 1226, A replaced by G.
Protein change: p.Asn409Ser; replaces asparagine 409 with serine.
Molecular consequence: missense variant.
Genome position (GRCh38, 1-based): chr6:73,480,771, A>G. VCF-style: chr6-73480771-A-G. GRCh37 (hg19) VCF-style: chr6-74190494-A-G.
Other names: c.1226A>G, p.Asn409Ser (NM_001123226.2); c.1301A>G, p.Asn434Ser (NM_133645.3); short protein forms N409S, N434S.
Identifiers: ClinVar variation 1406239 (VCV001406239.3), dbSNP rs767029283, ClinGen allele CA3889564.